The following is an entry in ClinVar:

ClinVar aggregate classification (germline): Benign (1 of 4 stars; one submission).

Conditions:
Polyps, multiple and recurrent inflammatory fibroid, gastrointestinal. Identifiers: MedGen C5193005, MONDO:0008285, OMIM 175510.

Submission:

Myriad Genetics, Inc.
Classification: Benign for Polyps, multiple and recurrent inflammatory fibroid, gastrointestinal. Last evaluated: 2026-06-16. Review status: criteria provided, single submitter. Criteria: Myriad Autosomal Dominant, Autosomal Recessive and X-Linked Classification Criteria (2023). Collection method: clinical testing. Allele origin: unknown.
Comment: This variant is considered benign. This variant is a silent/synonymous amino acid change and it is not expected to impact splicing.

NM_006206.6(PDGFRA):c.774C>A (p.Ile258=)

Gene: PDGFRA (platelet derived growth factor receptor alpha; plus strand). Cytogenetic location: 4q12.
Variant type: single nucleotide variant.
Coding change: c.774C>A on transcript NM_006206.6 (MANE Select); coding-DNA position 774, C replaced by A.
Protein change: p.Ile258=; no amino-acid change (isoleucine 258 retained).
Molecular consequence: synonymous variant.
Genome position (GRCh38, 1-based): chr4:54,267,303, C>A. VCF-style: chr4-54267303-C-A. GRCh37 (hg19) VCF-style: chr4-55133470-C-A.
Other names: c.774C>A, p.Ile258= (NM_001347827.2, NM_001347829.2); c.849C>A, p.Ile283= (NM_001347828.2); c.813C>A, p.Ile271= (NM_001347830.2).
Identifiers: ClinVar variation 4875829 (VCV004875829.1).